The following is an entry in ClinVar:

ClinVar aggregate classification (germline): Likely pathogenic (1 of 4 stars; one submission).

Conditions:
Familial adenomatous polyposis 1 (FAP1). Also called: FAMILIAL ADENOMATOUS POLYPOSIS 1, ATTENUATED; POLYPOSIS, ADENOMATOUS INTESTINAL. Identifiers: MedGen C2713442, MONDO:0021056, OMIM 175100. Disease mechanism: loss of function.

Submission:

3billion
Classification: Likely pathogenic for Familial adenomatous polyposis 1. Last evaluated: 2025-05-12. Review status: criteria provided, single submitter. Criteria: ACMG Guidelines, 2015. Collection method: clinical testing. Allele origin: germline. Affected: yes.
Comment: The variant is not observed in the gnomAD v4.1.0 dataset. Predicted Consequence/Location: Stop-gained (nonsense): predicted to result in a loss or disruption of normal protein function through protein truncation. The predicted truncated protein may be shortened by more than 10%. Therefore, this variant is classified as Likely pathogenic according to the recommendation of ACMG/AMP guideline.

NM_000038.6(APC):c.4700C>A (p.Ser1567Ter)

Gene: APC (APC regulator of Wnt signaling pathway; plus strand). Cytogenetic location: 5q22.2.
Variant type: single nucleotide variant.
Coding change: c.4700C>A on transcript NM_000038.6 (MANE Select); coding-DNA position 4700, C replaced by A.
Protein change: p.Ser1567Ter; replaces serine 1567 with a stop codon.
Molecular consequence: nonsense. On other transcripts: non-coding transcript variant (2).
Genome position (GRCh38, 1-based): chr5:112,840,294, C>A. VCF-style: chr5-112840294-C-A. GRCh37 (hg19) VCF-style: chr5-112175991-C-A.
Other names: c.3851C>A, p.Ser1284Ter (NM_001407470.1, NM_001354906.2); c.3548C>A, p.Ser1183Ter (NM_001407471.1, NM_001407472.1); c.4700C>A, p.Ser1567Ter (NM_001127510.3, NM_001354895.2, NM_001407450.1); c.4646C>A, p.Ser1549Ter (NM_001127511.3); c.4754C>A, p.Ser1585Ter (NM_001354896.2, NM_001407447.1, NM_001407448.1 and 1 more transcripts); c.4730C>A, p.Ser1577Ter (NM_001354897.2); c.4625C>A, p.Ser1542Ter (NM_001354898.2); c.4616C>A, p.Ser1539Ter (NM_001354899.2); and 11 more; short protein forms S1183*, S1284*, S1407*, S1438*, S1441*, S1466*, S1476*, S1484*.
Identifiers: ClinVar variation 4853923 (VCV004853923.1).
Genomic context (GRCh38, chr5:112,840,294, plus strand): 5'-AAAACCAAGAGAAAGAGGCAGAAAAAACTATTGATTCTGAAAAGGACCTATTAGATGATT[C>A]AGATGATGATGATATTGAAATACTAGAAGAATGTATTATTTCTGCCATGCCAACAAAGTC-3'